The following is an entry in ClinVar:

GRCh38/hg38 15q15.3(chr15:43576372-43715339)x1

Genes: CATSPER2 (cation channel sperm associated 2; minus strand), CKMT1A (creatine kinase, mitochondrial 1A; plus strand), CKMT1B (creatine kinase, mitochondrial 1B; plus strand), PPIP5K1 (diphosphoinositol pentakisphosphate kinase 1; minus strand), STRC (stereocilin; minus strand) and 2 more. Cytogenetic location: 15q15.3.
Variant type: copy number loss.
Change: copy number 1 (one copy instead of two) of chr15:43,576,372-43,715,339 (139.0 kb, GRCh38 coordinates, 1-based), cytogenetic band 15q15.3.
Identifiers: ClinVar variation 4796437 (VCV004796437.1).

ClinVar aggregate classification (germline): Uncertain significance (1 of 4 stars; one submission).

Submission:

Medical Genetic Center, Changzhi Maternal and Child Health Care Hospital
Classification: Uncertain significance. Last evaluated: 2025-12-10. Review status: criteria provided, single submitter. Criteria: ACMG/ClinGen CNV Guidelines, 2019. Collection method: clinical testing. Allele origin: unknown.
Comment: STRC deletion cariirer